The following is an entry in ClinVar:

NM_001673.5(ASNS):c.1556G>A (p.Arg519His)

Genes: ASNS (asparagine synthetase (glutamine-hydrolyzing); minus strand), CZ1P-ASNS (CZ1P-ASNS readthrough; minus strand). Cytogenetic location: 7q21.3.
Variant type: single nucleotide variant.
Coding change: c.1556G>A on transcript NM_001673.5 (MANE Select); coding-DNA position 1556, G replaced by A.
Protein change: p.Arg519His; replaces arginine 519 with histidine.
Molecular consequence: missense variant. On other transcripts: non-coding transcript variant (1).
Genome position (GRCh38, 1-based): chr7:97,852,389, C>T on the plus strand (G>A on the coding strand, the complement: ASNS is on the minus strand). VCF-style: chr7-97852389-C-T. GRCh37 (hg19) VCF-style: chr7-97481701-C-T.
Other names: c.1556G>A, p.Arg519His (NM_133436.3, NM_001352496.2, NM_183356.4); c.1493G>A, p.Arg498His (NM_001178075.2); c.1307G>A, p.Arg436His (NM_001178076.2, NM_001178077.1); short protein forms R519H, R436H, R498H.
Identifiers: ClinVar variation 373308 (VCV000373308.7), dbSNP rs568570377, ClinGen allele CA4354477.

ClinVar aggregate classification (germline): Likely pathogenic. Review status: criteria provided, multiple submitters, no conflicts (2 of 4 stars). 4 submissions from 4 submitters: Likely pathogenic (3). 1 of the submissions does not count toward it. Last evaluated 2025-12-29.

Conditions:
Congenital microcephaly - severe encephalopathy - progressive cerebral atrophy syndrome. Also called: ASNS DEFICIENCY; Asparagine synthetase deficiency. Identifiers: Orphanet 391376, MedGen C3809971, MONDO:0014258, OMIM 615574.

Allele frequency attached by ClinVar (database versions not stated): gnomAD 0.00004; TOPMed 0.00005.
gnomAD v4.1: 48 of 1,613,970 alleles (0.003%); highest among the groups gnomAD compares: African/African-American, 0.0067%; no homozygotes.

Submissions (4):

Natera, Inc.
Classification: Likely pathogenic for Asparagine synthetase deficiency. Last evaluated: 2025-12-29. Review status: criteria provided, single submitter. Criteria: Natera Variant Classification Schema (03/2026). Collection method: clinical testing. Allele origin: germline.
Comment: The c.1556G>A variant in ASNS is a missense variant predicted to cause substitution of arginine to histidine at amino acid 519. This variant is rare in the general population with a frequency below the threshold expected for the associated phenotype(s). This variant has been observed in one or more individuals affected with the associated recessive disease, as either homozygous or compound heterozygous with a second variant (PMID: 35985424, 39039281). This variant has been identified in one or more affected individual with a phenotype highly consistent with the associated gene (PMID: 35985424). Computational prediction algorithms indicate this variant is likely to affect gene or protein function. Given the available evidence, this variant is classified as Likely Pathogenic.

GeneDx
Classification: Likely pathogenic. Last evaluated: 2024-02-02. Review status: criteria provided, single submitter. Criteria: GeneDx Variant Classification Process June 2021. Collection method: clinical testing. Allele origin: germline. Affected: yes.
Comment: Published functional studies demonstrate a damaging effect of reduced protein activity and impaired functionality (PMID: 35985424); Not observed at a significant frequency in large population cohorts (gnomAD); In silico analysis supports that this missense variant has a deleterious effect on protein structure/function; This variant is associated with the following publications: (PMID: 30057589, 35985424)

Fulgent Genetics
Classification: Likely pathogenic for Congenital microcephaly - severe encephalopathy - progressive cerebral atrophy syndrome. Last evaluated: 2024-01-09. Review status: criteria provided, single submitter. Criteria: ACMG Guidelines, 2015. Collection method: clinical testing. Allele origin: germline.

Labcorp Genetics (formerly Invitae), Labcorp
Classification: Uncertain significance. Last evaluated: 2021-08-31. Review status: flagged submission. Criteria: Invitae Variant Classification Sherloc (09022015). Collection method: clinical testing. Allele origin: germline. Not counted in ClinVar's aggregate classification.
Comment: This sequence change replaces arginine with histidine at codon 519 of the ASNS protein (p.Arg519His). The arginine residue is highly conserved and there is a small physicochemical difference between arginine and histidine. This variant is present in population databases (rs568570377, ExAC 0.01%). This missense change has been observed in individual(s) with ASNS-related conditions (PMID: 30057589). ClinVar contains an entry for this variant (Variation ID: 373308). Advanced modeling of protein sequence and biophysical properties (such as structural, functional, and spatial information, amino acid conservation, physicochemical variation, residue mobility, and thermodynamic stability) performed at Invitae indicates that this missense variant is expected to disrupt ASNS protein function. In summary, the available evidence is currently insufficient to determine the role of this variant in disease. Therefore, it has been classified as a Variant of Uncertain Significance.
ClinVar note: Reason: Older claim that does not account for recent evidence

Literature cited by the submitters: PubMed 35985424 (cited by Natera, Inc.); PubMed 39039281 (cited by Natera, Inc.); PubMed 30057589 (cited by Labcorp Genetics (formerly Invitae), Labcorp).